The following is an entry in ClinVar:

NM_006180.6(NTRK2):c.1262A>G (p.Asp421Gly)

Gene: NTRK2 (neurotrophic receptor tyrosine kinase 2; plus strand). Cytogenetic location: 9q21.33.
Variant type: single nucleotide variant.
Coding change: c.1262A>G on transcript NM_006180.6 (MANE Select); coding-DNA position 1262, A replaced by G.
Protein change: p.Asp421Gly; replaces aspartic acid 421 with glycine.
Molecular consequence: missense variant.
Genome position (GRCh38, 1-based): chr9:84,745,039, A>G. VCF-style: chr9-84745039-A-G. GRCh37 (hg19) VCF-style: chr9-87359954-A-G.
Other names: c.1262A>G, p.Asp421Gly (NM_001007097.3, NM_001018064.3, NM_001018065.2 and 15 more transcripts); c.1223A>G, p.Asp408Gly (NM_001291937.2, NM_001369546.1); c.1226A>G, p.Asp409Gly (NM_001369534.1); c.794A>G, p.Asp265Gly (NM_001369535.1, NM_001369536.1, NM_001369550.1 and 2 more transcripts); short protein forms D409G, D421G, D265G, D408G.
Identifiers: ClinVar variation 1425766 (VCV001425766.6), dbSNP rs759743944, ClinGen allele CA195752642.

ClinVar aggregate classification (germline): Uncertain significance (1 of 4 stars; one submission).

Allele frequency attached by ClinVar (database versions not stated): gnomAD exomes below 0.00001; gnomAD 0.00001; TOPMed 0.00001.

Submission:

Labcorp Genetics (formerly Invitae), Labcorp
Classification: Uncertain significance. Last evaluated: 2024-10-21. Review status: criteria provided, single submitter. Criteria: Invitae Variant Classification Sherloc (09022015). Collection method: clinical testing. Allele origin: germline.
Comment: This sequence change replaces aspartic acid, which is acidic and polar, with glycine, which is neutral and non-polar, at codon 421 of the NTRK2 protein (p.Asp421Gly). This variant is present in population databases (rs759743944, gnomAD 0.007%). This variant has not been reported in the literature in individuals affected with NTRK2-related conditions. ClinVar contains an entry for this variant (Variation ID: 1425766). Invitae Evidence Modeling of protein sequence and biophysical properties (such as structural, functional, and spatial information, amino acid conservation, physicochemical variation, residue mobility, and thermodynamic stability) indicates that this missense variant is expected to disrupt NTRK2 protein function with a positive predictive value of 95%. In summary, the available evidence is currently insufficient to determine the role of this variant in disease. Therefore, it has been classified as a Variant of Uncertain Significance.